The following is an entry in ClinVar:

NM_001036.6(RYR3):c.7777G>A (p.Asp2593Asn)

Gene: RYR3 (ryanodine receptor 3; plus strand). Cytogenetic location: 15q14.
Variant type: single nucleotide variant.
Coding change: c.7777G>A on transcript NM_001036.6 (MANE Select); coding-DNA position 7777, G replaced by A.
Protein change: p.Asp2593Asn; replaces aspartic acid 2593 with asparagine.
Molecular consequence: missense variant.
Genome position (GRCh38, 1-based): chr15:33,739,952, G>A. VCF-style: chr15-33739952-G-A. GRCh37 (hg19) VCF-style: chr15-34032153-G-A.
Other names: c.7777G>A, p.Asp2593Asn (NM_001243996.4); short protein forms D2593N.
Identifiers: ClinVar variation 2645142 (VCV002645142.24), dbSNP rs749911112, ClinGen allele CA391580793.

ClinVar aggregate classification (germline): Uncertain significance (1 of 4 stars; one submission).

Submission:

CeGaT Center for Human Genetics Tuebingen
Classification: Uncertain significance. Last evaluated: 2022-08-01. Review status: criteria provided, single submitter. Criteria: CeGaT Center For Human Genetics Tuebingen Variant Classification Criteria Version 2. Collection method: clinical testing. Allele origin: germline. Affected: yes. Observed: 1 variant allele.
Comment: RYR3: PM2